The following is an entry in ClinVar:

NC_000014.9:g.(?_104677659)_(104957672_?)del

Genes: ADSS1 (adenylosuccinate synthase 1; plus strand), AHNAK2 (AHNAK nucleoprotein 2; minus strand), AKT1 (AKT serine/threonine kinase 1; minus strand), CEP170B (centrosomal protein 170B; plus strand), INF2 (inverted formin 2; plus strand) and 3 more. Cytogenetic location: 14q32.33.
Variant type: Deletion.
Identifiers: ClinVar variation 831735 (VCV000831735.1).

ClinVar aggregate classification (germline): Pathogenic (1 of 4 stars; one submission).

Submission:

Labcorp Genetics (formerly Invitae), Labcorp
Classification: Pathogenic. Last evaluated: 2019-07-25. Review status: criteria provided, single submitter. Criteria: Invitae Variant Classification Sherloc (09022015). Collection method: clinical testing. Allele origin: germline.
Comment: A gross deletion of the genomic region encompassing the full coding sequence of the ADSSL1 gene has been identified. The boundaries of this event are unknown as the deletion extends beyond the assayed region for this gene and therefore may encompass additional genes. A similar deletion has not been reported in the literature in individuals with ADSSL1-related conditions. Loss-of-function variants in ADSSL1 are known to be pathogenic (PMID: 26506222). For these reasons, this variant has been classified as Pathogenic.